The following is an entry in ClinVar:

NM_000070.3(CAPN3):c.2024A>T (p.Lys675Met)

Gene: CAPN3 (calpain 3; plus strand). Cytogenetic location: 15q15.1.
Variant type: single nucleotide variant.
Coding change: c.2024A>T on transcript NM_000070.3 (MANE Select); coding-DNA position 2024, A replaced by T.
Protein change: p.Lys675Met; replaces lysine 675 with methionine.
Molecular consequence: missense variant.
Genome position (GRCh38, 1-based): chr15:42,409,818, A>T. VCF-style: chr15-42409818-A-T. GRCh37 (hg19) VCF-style: chr15-42702016-A-T.
Other names: c.2006A>T, p.Lys669Met (NM_024344.2); c.1748A>T, p.Lys583Met (NM_173087.2); c.488A>T, p.Lys163Met (NM_173088.2); c.29A>T, p.Lys10Met (NM_173089.2, NM_173090.2); short protein forms K163M, K583M, K675M, K669M, K10M.
Identifiers: ClinVar variation 4698777 (VCV004698777.1).
Genomic context (GRCh38, chr15:42,409,818, plus strand): 5'-CCATGACCCTCCTCTCCCTTCCTCCTCAGGACATGGAGATCTGTGCAGATGAGCTCAAGA[A>T]GGTCCTTAACACAGTCGTGAACAAACGTGAGTTGCTCAAACCAAATGGGGGTGGGGTGGG-3'
Protein context (NP_000061.1, residues 665-685): DMEICADELK[Lys675Met]VLNTVVNKHK

ClinVar aggregate classification (germline): Uncertain significance (1 of 4 stars; one submission).

Conditions:
Autosomal recessive limb-girdle muscular dystrophy type 2A (LGMDR1). Also called: Limb-girdle muscular dystrophy, type 2A; Calpainopathy; LEYDEN-MOEBIUS MUSCULAR DYSTROPHY; MUSCULAR DYSTROPHY, PELVOFEMORAL; Muscular dystrophy, limb-girdle, type 2A, Amish. Identifiers: Orphanet 267, MedGen C1869123, MONDO:0009675, OMIM 253600. Disease mechanism: loss of function.

gnomAD v4.1: 9 of 1,548,566 alleles (0.00058%); highest among the groups gnomAD compares: Non-Finnish European, 0.00078%; no homozygotes.

Submission:

Labcorp Genetics (formerly Invitae), Labcorp
Classification: Uncertain significance for Autosomal recessive limb-girdle muscular dystrophy type 2A. Last evaluated: 2025-08-17. Review status: criteria provided, single submitter. Criteria: Invitae Variant Classification Sherloc (09022015). Collection method: clinical testing. Allele origin: germline.
Comment: This sequence change replaces lysine, which is basic and polar, with methionine, which is neutral and non-polar, at codon 675 of the CAPN3 protein (p.Lys675Met). This variant is not present in population databases (gnomAD no frequency). This variant has not been reported in the literature in individuals affected with CAPN3-related conditions. Invitae Evidence Modeling of protein sequence and biophysical properties (such as structural, functional, and spatial information, amino acid conservation, physicochemical variation, residue mobility, and thermodynamic stability) indicates that this missense variant is not expected to disrupt CAPN3 protein function with a negative predictive value of 80%. In summary, the available evidence is currently insufficient to determine the role of this variant in disease. Therefore, it has been classified as a Variant of Uncertain Significance.